The following is an entry in ClinVar:

NM_015340.4(LARS2):c.556C>T (p.Gln186Ter)

Gene: LARS2 (leucyl-tRNA synthetase 2, mitochondrial; plus strand). Cytogenetic location: 3p21.31.
Variant type: single nucleotide variant.
Coding change: c.556C>T on transcript NM_015340.4 (MANE Select); coding-DNA position 556, C replaced by T.
Protein change: p.Gln186Ter; replaces glutamine 186 with a stop codon.
Molecular consequence: nonsense.
Genome position (GRCh38, 1-based): chr3:45,446,930, C>T. VCF-style: chr3-45446930-C-T. GRCh37 (hg19) VCF-style: chr3-45488422-C-T.
Other names: c.556C>T, p.Gln186Ter (NM_001368263.1); short protein forms Q186*.
Identifiers: ClinVar variation 501013 (VCV000501013.9), dbSNP rs1163473923, ClinGen allele CA352977645.

ClinVar aggregate classification (germline): Pathogenic/Likely pathogenic. Review status: criteria provided, multiple submitters, no conflicts (2 of 4 stars). 3 submissions from 3 submitters: Pathogenic (1); Likely pathogenic (2). Last evaluated 2024-03-09.

Allele frequency attached by ClinVar (database versions not stated): gnomAD exomes 0.00001; gnomAD 0.00002; TOPMed 0.00002.
gnomAD v4.1: 13 of 1,611,514 alleles (0.00081%); highest among the groups gnomAD compares: African/African-American, 0.0027%; no homozygotes.

Submissions (3):

Labcorp Genetics (formerly Invitae), Labcorp
Classification: Pathogenic. Last evaluated: 2024-03-09. Review status: criteria provided, single submitter. Criteria: Invitae Variant Classification Sherloc (09022015). Collection method: clinical testing. Allele origin: germline.
Comment: This sequence change creates a premature translational stop signal (p.Gln186*) in the LARS2 gene. It is expected to result in an absent or disrupted protein product. Loss-of-function variants in LARS2 are known to be pathogenic (PMID: 23541342, 30737337). This variant is present in population databases (no rsID available, gnomAD 0.004%). This premature translational stop signal has been observed in individual(s) with deafness (PMID: 35982127). ClinVar contains an entry for this variant (Variation ID: 501013). For these reasons, this variant has been classified as Pathogenic.

GeneDx
Classification: Likely pathogenic. Last evaluated: 2019-10-08. Review status: criteria provided, single submitter. Criteria: GeneDx Variant Classification Process June 2021. Collection method: clinical testing. Allele origin: germline. Affected: yes.
Comment: Nonsense variant predicted to result in protein truncation or nonsense mediated decay in a gene for which loss-of-function is a known mechanism of disease; Not observed at a significant frequency in large population cohorts (Lek et al., 2016); Has not been previously published as pathogenic or benign to our knowledge

Eurofins Ntd Llc (ga)
Classification: Likely pathogenic. Last evaluated: 2017-05-24. Review status: criteria provided, single submitter. Criteria: EGL Classification Definitions 2015. Collection method: clinical testing. Allele origin: germline. Observed: 2 variant alleles, 2 heterozygotes.

Literature cited by the submitters: PubMed 23541342 (cited by Labcorp Genetics (formerly Invitae), Labcorp); PubMed 30737337 (cited by Labcorp Genetics (formerly Invitae), Labcorp); PubMed 35982127 (cited by Labcorp Genetics (formerly Invitae), Labcorp).